The following is an entry in ClinVar:

NM_000371.4(TTR):c.67A>G (p.Thr23Ala)

Gene: TTR (transthyretin; plus strand). Cytogenetic location: 18q12.1.
Variant type: single nucleotide variant.
Coding change: c.67A>G on transcript NM_000371.4 (MANE Select); coding-DNA position 67, A replaced by G.
Protein change: p.Thr23Ala; replaces threonine 23 with alanine.
Molecular consequence: missense variant.
Genome position (GRCh38, 1-based): chr18:31,591,969, A>G. VCF-style: chr18-31591969-A-G. GRCh37 (hg19) VCF-style: chr18-29171932-A-G.
Other names: short protein forms T23A.
Identifiers: ClinVar variation 4766992 (VCV004766992.1).

ClinVar aggregate classification (germline): Uncertain significance (1 of 4 stars; one submission).

Conditions:
Amyloidosis, hereditary systemic 1 (AMYLD1). Also called: Hereditary oculoleptomeningeal amyloid angiopathy; Familial Transthyretin Amyloidosis; Familial amyloid polyneuropathy; Transthyretin Amyloidosis; Hereditary Transthyretin Amyloidosis; AMYLOID CARDIOMYOPATHY. Identifiers: Orphanet 85447, Orphanet 85451, MedGen C2751492, MONDO:0971004, OMIM 105210.

Submission:

Labcorp Genetics (formerly Invitae), Labcorp
Classification: Uncertain significance for Amyloidosis, hereditary systemic 1. Last evaluated: 2025-12-09. Review status: criteria provided, single submitter. Criteria: Invitae Variant Classification Sherloc (09022015). Collection method: clinical testing. Allele origin: germline.
Comment: This sequence change replaces threonine, which is neutral and polar, with alanine, which is neutral and non-polar, at codon 23 of the TTR protein (p.Thr23Ala). This variant is not present in population databases (gnomAD no frequency). This variant has not been reported in the literature in individuals affected with TTR-related conditions. An algorithm developed to predict the effect of missense changes on protein structure and function outputs the following: PolyPhen-2: "Benign". The alanine amino acid residue is found in multiple mammalian species, which suggests that this missense change does not adversely affect protein function. In summary, the available evidence is currently insufficient to determine the role of this variant in disease. Therefore, it has been classified as a Variant of Uncertain Significance.